The following is an entry in ClinVar:

ClinVar aggregate classification (germline): Uncertain significance (1 of 4 stars; one submission).

Conditions:
Transcobalamin II deficiency (TCN2D). Also called: TC II DEFICIENCY; TCN2 DEFICIENCY; Transcolabamin II deficiency. Identifiers: Orphanet 859, MedGen C0342701, MONDO:0010149, OMIM 275350.

Allele frequency attached by ClinVar (database versions not stated): gnomAD exomes 0.00001; ExAC 0.00002; gnomAD 0.00005; TOPMed 0.00006.
gnomAD v4.1: 21 of 1,613,934 alleles (0.0013%); highest among the groups gnomAD compares: African/African-American, 0.021%; no homozygotes.

Submission:

Labcorp Genetics (formerly Invitae), Labcorp
Classification: Uncertain significance for Transcobalamin II deficiency. Last evaluated: 2024-10-16. Review status: criteria provided, single submitter. Criteria: Invitae Variant Classification Sherloc (09022015). Collection method: clinical testing. Allele origin: germline.
Comment: This sequence change replaces aspartic acid, which is acidic and polar, with asparagine, which is neutral and polar, at codon 137 of the TCN2 protein (p.Asp137Asn). The frequency data for this variant in the population databases is considered unreliable, as metrics indicate poor data quality at this position in the gnomAD database. This variant has not been reported in the literature in individuals affected with TCN2-related conditions. ClinVar contains an entry for this variant (Variation ID: 529777). Invitae Evidence Modeling of protein sequence and biophysical properties (such as structural, functional, and spatial information, amino acid conservation, physicochemical variation, residue mobility, and thermodynamic stability) indicates that this missense variant is not expected to disrupt TCN2 protein function with a negative predictive value of 80%. In summary, the available evidence is currently insufficient to determine the role of this variant in disease. Therefore, it has been classified as a Variant of Uncertain Significance.

NM_000355.4(TCN2):c.409G>A (p.Asp137Asn)

Gene: TCN2 (transcobalamin 2; plus strand). Cytogenetic location: 22q12.2.
Variant type: single nucleotide variant.
Coding change: c.409G>A on transcript NM_000355.4 (MANE Select); coding-DNA position 409, G replaced by A.
Protein change: p.Asp137Asn; replaces aspartic acid 137 with asparagine.
Molecular consequence: missense variant. On other transcripts: intron variant (1).
Genome position (GRCh38, 1-based): chr22:30,613,024, G>A. VCF-style: chr22-30613024-G-A. GRCh37 (hg19) VCF-style: chr22-31009011-G-A.
Other names: c.346+63G>A (NM_001184726.2); short protein forms D137N.
Identifiers: ClinVar variation 529777 (VCV000529777.10), dbSNP rs775586639, ClinGen allele CA10184613.